The following is an entry in ClinVar:

ClinVar aggregate classification (germline): Likely benign (0 of 4 stars; one submission).

Conditions:
TTN-related disorder. Also called: TTN-related condition; TTN-related disease; TTN-related disorders.

Allele frequency attached by ClinVar (database versions not stated): gnomAD exomes below 0.00001.
gnomAD v4.1: 1 of 1,607,654 alleles (0.000062%); highest among the groups gnomAD compares: South Asian, 0.0011%; no homozygotes.

Submission:

PreventionGenetics, part of Exact Sciences
Classification: Likely benign for TTN-related condition. Last evaluated: 2022-09-08. Review status: no assertion criteria provided. Collection method: clinical testing. Allele origin: germline.
Comment: This variant is classified as likely benign based on ACMG/AMP sequence variant interpretation guidelines (Richards et al. 2015 PMID: 25741868, with internal and published modifications).

NM_001267550.2(TTN):c.97192+9G>A

Genes: TTN (titin; minus strand), TTN-AS1 (TTN antisense RNA 1; plus strand), LOC129935186 (ATAC-STARR-seq lymphoblastoid active region 16811; plus strand). Cytogenetic location: 2q31.2.
Variant type: single nucleotide variant.
Coding change: c.97192+9G>A on transcript NM_001267550.2 (MANE Select); 9 bases into the intron after coding-DNA position 97192, G replaced by A.
Molecular consequence: intron variant.
Genome position (GRCh38, 1-based): chr2:178,542,653, C>T on the plus strand (G>A on the coding strand, the complement: TTN is on the minus strand). VCF-style: chr2-178542653-C-T. GRCh37 (hg19) VCF-style: chr2-179407380-C-T.
Other names: c.69997+9G>A (NM_003319.4); c.70573+9G>A (NM_133437.4); c.70372+9G>A (NM_133432.3); c.89488+9G>A (NM_133378.4); c.92269+9G>A (NM_001256850.1).
Identifiers: ClinVar variation 3047408 (VCV003047408.2), dbSNP rs1455782229, ClinGen allele CA2662121349.
Genomic context (GRCh38, chr2:178,542,653, plus strand): 5'-ATTTTTACTTCAAATCAAAATTGGGTGACTGAACATCAACTTGCTTGTATCTTTGTCACA[C>T]ATCCTTACCAAGAATGATAACTTTAATGGTTTCTGAAGTAGTTCCGGTAACATTCTTCAA-3'